The following is an entry in ClinVar:

NM_000057.4(BLM):c.3236A>G (p.Asp1079Gly)

Gene: BLM (BLM RecQ like helicase; plus strand). Cytogenetic location: 15q26.1.
Variant type: single nucleotide variant.
Coding change: c.3236A>G on transcript NM_000057.4 (MANE Select); coding-DNA position 3236, A replaced by G.
Protein change: p.Asp1079Gly; replaces aspartic acid 1079 with glycine.
Molecular consequence: missense variant.
Genome position (GRCh38, 1-based): chr15:90,798,215, A>G. VCF-style: chr15-90798215-A-G. GRCh37 (hg19) VCF-style: chr15-91341445-A-G.
Other names: c.3236A>G, p.Asp1079Gly (NM_001287246.2, NM_001287247.2); c.2111A>G, p.Asp704Gly (NM_001287248.2); short protein forms D1079G, D704G.
Identifiers: ClinVar variation 405279 (VCV000405279.12), dbSNP rs776714693, ClinGen allele CA7738970.
Genomic context (GRCh38, chr15:90,798,215, plus strand): 5'-AATTATAGCAGAAAGTATTCTCTTTTTATTCATAGGATTATAAAACAAGAGATGTGACTG[A>G]CGATGTGAAAAGTATTGTAAGATTTGTTCAAGAACATAGTTCATCACAAGGAATGAGAAA-3'
Protein context (NP_000048.1, residues 1069-1089): TKDYKTRDVT[Asp1079Gly]DVKSIVRFVQ

ClinVar aggregate classification (germline): Uncertain significance. Review status: criteria provided, multiple submitters, no conflicts (2 of 4 stars). 4 submissions from 4 submitters: Uncertain significance (3). 1 of the submissions does not count toward it. Last evaluated 2025-01-21.

Conditions:
Hereditary cancer-predisposing syndrome. Also called: Hereditary Cancer Syndrome; Hereditary neoplastic syndrome; Neoplastic Syndromes, Hereditary; Tumor predisposition. Identifiers: Orphanet 140162, MedGen C0027672, MeSH D009386, MONDO:0015356.
Bloom syndrome (BLM). Also called: Bloom-Torre-Machacek syndrome. Identifiers: Orphanet 125, MedGen C0005859, MONDO:0008876, OMIM 210900.

Allele frequency attached by ClinVar (database versions not stated): TOPMed below 0.00001; gnomAD 0.00001; gnomAD exomes 0.00002 and 0.00004; ExAC 0.00003.
gnomAD v4.1: 51 of 1,608,704 alleles (0.0032%); highest among the groups gnomAD compares: Non-Finnish European, 0.0043%; no homozygotes.

Submissions (4):

Labcorp Genetics (formerly Invitae), Labcorp
Classification: Uncertain significance for Bloom syndrome. Last evaluated: 2025-01-21. Review status: criteria provided, single submitter. Criteria: Invitae Variant Classification Sherloc (09022015). Collection method: clinical testing. Allele origin: germline.
Comment: This sequence change replaces aspartic acid, which is acidic and polar, with glycine, which is neutral and non-polar, at codon 1079 of the BLM protein (p.Asp1079Gly). This variant is present in population databases (rs776714693, gnomAD 0.005%). This variant has not been reported in the literature in individuals affected with BLM-related conditions. ClinVar contains an entry for this variant (Variation ID: 405279). Invitae Evidence Modeling of protein sequence and biophysical properties (such as structural, functional, and spatial information, amino acid conservation, physicochemical variation, residue mobility, and thermodynamic stability) indicates that this missense variant is not expected to disrupt BLM protein function with a negative predictive value of 80%. In summary, the available evidence is currently insufficient to determine the role of this variant in disease. Therefore, it has been classified as a Variant of Uncertain Significance.

Fulgent Genetics
Classification: Uncertain significance for Bloom syndrome. Last evaluated: 2024-06-13. Review status: criteria provided, single submitter. Criteria: ACMG Guidelines, 2015. Collection method: clinical testing. Allele origin: germline.

Ambry Genetics
Classification: Uncertain significance for Hereditary cancer-predisposing syndrome. Last evaluated: 2023-12-14. Review status: criteria provided, single submitter. Criteria: Ambry Variant Classification Scheme 2023. Collection method: clinical testing. Allele origin: germline.
Comment: The p.D1079G variant (also known as c.3236A>G), located in coding exon 16 of the BLM gene, results from an A to G substitution at nucleotide position 3236. The aspartic acid at codon 1079 is replaced by glycine, an amino acid with similar properties. This amino acid position is not well conserved in available vertebrate species. In addition, this alteration is predicted to be tolerated by in silico analysis. Since supporting evidence is limited at this time, the clinical significance of this alteration remains unclear.

Natera, Inc.
Classification: Uncertain significance for Bloom syndrome. Last evaluated: 2020-04-24. Review status: no assertion criteria provided. Collection method: clinical testing. Allele origin: germline. Not counted in ClinVar's aggregate classification.